The following is an entry in ClinVar:

ClinVar aggregate classification (germline): Uncertain significance (1 of 4 stars; one submission).

Conditions:
Hereditary cancer-predisposing syndrome. Also called: Tumor predisposition; Hereditary Cancer Syndrome; Neoplastic Syndromes, Hereditary; Hereditary neoplastic syndrome. Identifiers: Orphanet 140162, MedGen C0027672, MeSH D009386, MONDO:0015356.

Submission:

Ambry Genetics
Classification: Uncertain significance for Hereditary cancer-predisposing syndrome. Last evaluated: 2021-07-18. Review status: criteria provided, single submitter. Criteria: Ambry Variant Classification Scheme 2023. Collection method: clinical testing. Allele origin: germline.
Comment: The p.A372S variant (also known as c.1114G>T), located in coding exon 9 of the NBN gene, results from a G to T substitution at nucleotide position 1114. The alanine at codon 372 is replaced by serine, an amino acid with similar properties. This amino acid position is conserved. In addition, this alteration is predicted to be tolerated by in silico analysis. Since supporting evidence is limited at this time, the clinical significance of this alteration remains unclear.

NM_002485.5(NBN):c.1114G>T (p.Ala372Ser)

Gene: NBN (nibrin; minus strand). Cytogenetic location: 8q21.3.
Variant type: single nucleotide variant.
Coding change: c.1114G>T on transcript NM_002485.5 (MANE Select); coding-DNA position 1114, G replaced by T.
Protein change: p.Ala372Ser; replaces alanine 372 with serine.
Molecular consequence: missense variant.
Genome position (GRCh38, 1-based): chr8:89,958,735, C>A on the plus strand (G>T on the coding strand, the complement: NBN is on the minus strand). VCF-style: chr8-89958735-C-A. GRCh37 (hg19) VCF-style: chr8-90970963-C-A.
Other names: c.868G>T, p.Ala290Ser (NM_001024688.3); short protein forms A372S, A290S.
Identifiers: ClinVar variation 1795995 (VCV001795995.2), dbSNP rs1377878017, ClinGen allele CA371656577.